The following is an entry in ClinVar:

NM_000059.4(BRCA2):c.1432A>T (p.Thr478Ser)

Gene: BRCA2 (BRCA2 DNA repair associated; plus strand). Cytogenetic location: 13q13.1.
Variant type: single nucleotide variant.
Coding change: c.1432A>T on transcript NM_000059.4 (MANE Select); coding-DNA position 1432, A replaced by T.
Protein change: p.Thr478Ser; replaces threonine 478 with serine.
Molecular consequence: missense variant.
Genome position (GRCh38, 1-based): chr13:32,332,910, A>T. VCF-style: chr13-32332910-A-T. GRCh37 (hg19) VCF-style: chr13-32907047-A-T.
Other names: c.1432A>T (NM_000059.3); short protein forms T478S.
Identifiers: ClinVar variation 1403001 (VCV001403001.10), dbSNP rs2137471409, ClinGen allele CA387764272.

ClinVar aggregate classification (germline): Conflicting classifications of pathogenicity. Review status: criteria provided, conflicting classifications (1 of 4 stars). 3 submissions from 3 submitters: Uncertain significance (2); Likely benign (1). Last evaluated 2024-06-05.

Conditions:
Hereditary breast ovarian cancer syndrome. Also called: Hereditary breast and ovarian cancer syndrome; BRCA1- and BRCA2-Associated Hereditary Breast and Ovarian Cancer; Breast and ovarian cancer; Hereditary breast and/or ovarian cancer syndrome; Hereditary breast and ovarian cancer syndrome (HBOC); Hereditary breast and ovarian cancer. Identifiers: Orphanet 145, MedGen C0677776, MeSH D061325, MONDO:0003582. Disease mechanism: loss of function.
Hereditary cancer-predisposing syndrome. Also called: Hereditary neoplastic syndrome; Hereditary Cancer Syndrome; Neoplastic Syndromes, Hereditary; Tumor predisposition. Identifiers: Orphanet 140162, MedGen C0027672, MeSH D009386, MONDO:0015356.

Allele frequency attached by ClinVar (database versions not stated): gnomAD exomes below 0.00001.
gnomAD v4.1: 1 of 1,610,346 alleles (0.000062%); highest among the groups gnomAD compares: Non-Finnish European, 0.000085%; no homozygotes.

Submissions (3):

Ambry Genetics
Classification: Uncertain significance for Hereditary cancer-predisposing syndrome. Last evaluated: 2024-06-05. Review status: criteria provided, single submitter. Criteria: Ambry Variant Classification Scheme 2023. Collection method: clinical testing. Allele origin: germline.
Comment: The p.T478S variant (also known as c.1432A>T), located in coding exon 9 of the BRCA2 gene, results from an A to T substitution at nucleotide position 1432. The threonine at codon 478 is replaced by serine, an amino acid with similar properties. This amino acid position is conserved. In addition, this alteration is predicted to be tolerated by in silico analysis. Based on the available evidence, the clinical significance of this variant remains unclear.

University of Washington Department of Laboratory Medicine, University of Washington
Classification: Likely benign for Hereditary cancer-predisposing syndrome. Last evaluated: 2023-03-23. Review status: criteria provided, single submitter. Criteria: Dines et al. (Genet Med. 2020). Collection method: curation. Allele origin: germline.
Comment: Missense variant in a coldspot region where missense variants are very unlikely to be pathogenic (PMID:31911673).

BRCA2 exon 10 coldspot. Reclassification based on statistical prior probability.

Labcorp Genetics (formerly Invitae), Labcorp
Classification: Uncertain significance for Hereditary breast ovarian cancer syndrome. Last evaluated: 2021-01-11. Review status: criteria provided, single submitter. Criteria: Invitae Variant Classification Sherloc (09022015). Collection method: clinical testing. Allele origin: germline.
Comment: In summary, the available evidence is currently insufficient to determine the role of this variant in disease. Therefore, it has been classified as a Variant of Uncertain Significance. Advanced modeling of protein sequence and biophysical properties (such as structural, functional, and spatial information, amino acid conservation, physicochemical variation, residue mobility, and thermodynamic stability) performed at Invitae indicates that this missense variant is not expected to disrupt BRCA2 protein function. This variant has not been reported in the literature in individuals with BRCA2-related conditions. This variant is not present in population databases (ExAC no frequency). This sequence change replaces threonine with serine at codon 478 of the BRCA2 protein (p.Thr478Ser). The threonine residue is weakly conserved and there is a small physicochemical difference between threonine and serine.